The following is an entry in ClinVar:

ClinVar aggregate classification (germline): Uncertain significance. Review status: criteria provided, multiple submitters, no conflicts (2 of 4 stars). 4 submissions from 3 submitters: Uncertain significance (4). Last evaluated 2023-04-11.

Conditions:
Ectopia lentis et pupillae. Also called: ECTOPIA LENTIS WITH ECTOPIA OF PUPIL. Identifiers: Orphanet 1885, MedGen C1644196, MONDO:0009153, OMIM 225200.
Ectopia lentis 2, isolated, autosomal recessive (ECTOL2). Identifiers: Orphanet 1885, MedGen C3541474, MONDO:0009152, OMIM 225100.

Allele frequency attached by ClinVar (database versions not stated): gnomAD exomes 0.00001 and 0.00002; TOPMed 0.00004; ExAC 0.00001; gnomAD 0.00001.
gnomAD v4.1: 33 of 1,598,922 alleles (0.0021%); highest among the groups gnomAD compares: Middle Eastern, 0.017%; no homozygotes.

Submissions (4):

Genome-Nilou Lab
Classification: Uncertain significance for Ectopia lentis et pupillae. Last evaluated: 2023-04-11. Review status: criteria provided, single submitter. Criteria: ACMG Guidelines, 2015. Collection method: clinical testing. Allele origin: germline. Affected: no.

Genome-Nilou Lab
Classification: Uncertain significance for Ectopia lentis 2, isolated, autosomal recessive. Last evaluated: 2023-04-11. Review status: criteria provided, single submitter. Criteria: ACMG Guidelines, 2015. Collection method: clinical testing. Allele origin: germline. Affected: no.

Labcorp Genetics (formerly Invitae), Labcorp
Classification: Uncertain significance. Last evaluated: 2022-08-19. Review status: criteria provided, single submitter. Criteria: Invitae Variant Classification Sherloc (09022015). Collection method: clinical testing. Allele origin: germline.
Comment: This sequence change affects codon 377 of the ADAMTSL4 mRNA. It is a 'silent' change, meaning that it does not change the encoded amino acid sequence of the ADAMTSL4 protein. This variant also falls at the last nucleotide of exon 6, which is part of the consensus splice site for this exon. This variant is present in population databases (rs749108523, gnomAD 0.003%). This variant has not been reported in the literature in individuals affected with ADAMTSL4-related conditions. ClinVar contains an entry for this variant (Variation ID: 292529). Variants that disrupt the consensus splice site are a relatively common cause of aberrant splicing (PMID: 17576681, 9536098). Algorithms developed to predict the effect of sequence changes on RNA splicing suggest that this variant may disrupt the consensus splice site. In summary, the available evidence is currently insufficient to determine the role of this variant in disease. Therefore, it has been classified as a Variant of Uncertain Significance.

Illumina Laboratory Services, Illumina
Classification: Uncertain significance for Ectopia lentis 2, isolated, autosomal recessive. Last evaluated: 2018-01-13. Review status: criteria provided, single submitter. Criteria: ICSL Variant Classification Criteria 13 December 2019. Collection method: clinical testing. Allele origin: germline.

Literature cited by the submitters: PubMed 17576681 (cited by Labcorp Genetics (formerly Invitae), Labcorp); PubMed 9536098 (cited by Labcorp Genetics (formerly Invitae), Labcorp).

NM_019032.6(ADAMTSL4):c.1131G>A (p.Ala377=)

Genes: ADAMTSL4 (ADAMTS like 4; plus strand), ADAMTSL4-AS2 (ADAMTSL4 antisense RNA 2; minus strand). Cytogenetic location: 1q21.2.
Variant type: single nucleotide variant.
Coding change: c.1131G>A on transcript NM_019032.6 (MANE Select); coding-DNA position 1131, G replaced by A.
Protein change: p.Ala377=; no amino-acid change (alanine 377 retained).
Molecular consequence: synonymous variant.
Genome position (GRCh38, 1-based): chr1:150,554,122, G>A. VCF-style: chr1-150554122-G-A. GRCh37 (hg19) VCF-style: chr1-150526598-G-A.
Other names: c.1131G>A, p.Ala377= (NM_001288607.2, NM_001288608.2, NM_001378596.1 and 1 more transcripts).
Identifiers: ClinVar variation 292529 (VCV000292529.7), dbSNP rs749108523, ClinGen allele CA1078123.